The following is an entry in ClinVar:

NM_000219.6(KCNE1):c.99G>C (p.Arg33Ser)

Gene: KCNE1 (potassium voltage-gated channel subfamily E regulatory subunit 1; minus strand). Cytogenetic location: 21q22.12.
Variant type: single nucleotide variant.
Coding change: c.99G>C on transcript NM_000219.6 (MANE Select); coding-DNA position 99, G replaced by C.
Protein change: p.Arg33Ser; replaces arginine 33 with serine.
Molecular consequence: missense variant.
Genome position (GRCh38, 1-based): chr21:34,449,536, C>G on the plus strand (G>C on the coding strand, the complement: KCNE1 is on the minus strand). VCF-style: chr21-34449536-C-G. GRCh37 (hg19) VCF-style: chr21-35821834-C-G.
Other names: c.99G>C, p.Arg33Ser (NM_001127668.4, NM_001127669.4, NM_001127670.4 and 4 more transcripts); short protein forms R33S.
Identifiers: ClinVar variation 3374045 (VCV003374045.2).

Conditions:
Long QT syndrome 5 (LQT5). Identifiers: Orphanet 101016, Orphanet 768, MedGen C1867904, MONDO:0013372, OMIM 613695.

Submission:

Roden Lab, Vanderbilt University Medical Center
No classification provided (evidence only). Condition: Long QT syndrome 5. Review status: no classification provided. Collection method: in vitro. Allele origin: not applicable. Functional consequence: Effect on ion channel function.
ClinVar note: "not provided" was previously submitted as the classification for the variant. However, the classification appeared to be based only on an observation of functional data so it was converted to no classification on 2025-07-30.